The following is an entry in ClinVar:

ClinVar aggregate classification (germline): Likely pathogenic (1 of 4 stars; one submission).

Submission:

GeneDx
Classification: Likely pathogenic. Last evaluated: 2016-02-20. Review status: criteria provided, single submitter. Criteria: GeneDx Variant Classification (06012015). Collection method: clinical testing. Allele origin: germline. Affected: yes.
Comment: The c.1172+5G>C variant in the PIGN gene has not been reported previously as a pathogenic variant nor as a benign variant, to our knowledge. This splice site variant destroys the splice donor site in intron 14, and is predicted to cause abnormal gene splicing, either leading to an abnormal message that is subject to nonsense-mediated mRNA decay, or to an abnormal protein product if the message is used for protein translation. The c.1172+5G>C variant was not observed in approximately 5700 individuals of European and African American ancestry in the NHLBI Exome Sequencing Project, indicating it is not a common benign variant in these populations. The c.1172+5G>C variant is a strong candidate for a pathogenic variant, however the possibility it may be a rare benign variant cannot be excluded.

NM_176787.5(PIGN):c.1172+5G>C

Gene: PIGN (phosphatidylinositol glycan anchor biosynthesis class N; minus strand). Cytogenetic location: 18q21.33.
Variant type: single nucleotide variant.
Coding change: c.1172+5G>C on transcript NM_176787.5 (MANE Select); 5 bases into the intron after coding-DNA position 1172, G replaced by C.
Molecular consequence: intron variant.
Genome position (GRCh38, 1-based): chr18:62,138,238, C>G on the plus strand (G>C on the coding strand, the complement: PIGN is on the minus strand). VCF-style: chr18-62138238-C-G. GRCh37 (hg19) VCF-style: chr18-59805471-C-G.
Other names: c.1172+5G>C (NM_012327.6).
Identifiers: ClinVar variation 372902 (VCV000372902.1), dbSNP rs1057518061, ClinGen allele CA16043056.